The following is an entry in ClinVar:

NM_000092.5(COL4A4):c.929G>A (p.Arg310Gln)

Gene: COL4A4 (collagen type IV alpha 4 chain; minus strand). Cytogenetic location: 2q36.3.
Variant type: single nucleotide variant.
Coding change: c.929G>A on transcript NM_000092.5 (MANE Select); coding-DNA position 929, G replaced by A.
Protein change: p.Arg310Gln; replaces arginine 310 with glutamine.
Molecular consequence: missense variant.
Genome position (GRCh38, 1-based): chr2:227,102,790, C>T on the plus strand (G>A on the coding strand, the complement: COL4A4 is on the minus strand). VCF-style: chr2-227102790-C-T. GRCh37 (hg19) VCF-style: chr2-227967506-C-T.
Other names: short protein forms R310Q.
Identifiers: ClinVar variation 746479 (VCV000746479.15), dbSNP rs373741172, ClinGen allele CA2145364.

ClinVar aggregate classification (germline): Conflicting classifications of pathogenicity. Review status: criteria provided, conflicting classifications (1 of 4 stars). 4 submissions from 4 submitters: Uncertain significance (2); Likely benign (1). 1 of the submissions does not count toward it. Last evaluated 2026-08-06.

Conditions:
Alport syndrome. Also called: Hemorrhagic familial nephritis; Hemorrhagic hereditary nephritis; Congenital hereditary hematuria. Identifiers: Orphanet 63, MedGen C1567741, MONDO:0018965.

Allele frequency attached by ClinVar (database versions not stated): ESP Exome Variant Server 0.00008; gnomAD 0.00020 and 0.00019; gnomAD exomes 0.00019; 1000 Genomes Project 0.00040; ExAC 0.00018; TOPMed 0.00023; 1000 Genomes Project 30x 0.00047.
gnomAD v4.1: 224 of 1,612,816 alleles (0.014%); highest among the groups gnomAD compares: East Asian, 0.11%; 1 homozygote.

Submissions (4):

GeneDx
Classification: Uncertain significance. Last evaluated: 2026-08-06. Review status: criteria provided, single submitter. Criteria: GeneDx Variant Classification Process June 2021. Collection method: clinical testing. Allele origin: germline.
Comment: In silico analysis supports that this missense variant has a deleterious effect on protein structure/function; Occurs in the triple helical domain at the Y position in the canonical Gly-X-Y repeat; although this variant may have an effect on normal protein folding and function, missense substitution at the Y position is not a common mechanism of disease; Has not been previously published as pathogenic or benign to our knowledge

Labcorp Genetics (formerly Invitae), Labcorp
Classification: Likely benign. Last evaluated: 2026-01-25. Review status: criteria provided, single submitter. Criteria: Invitae Variant Classification Sherloc (09022015). Collection method: clinical testing. Allele origin: germline.

Athena Diagnostics
Classification: Uncertain significance. Last evaluated: 2020-04-07. Review status: criteria provided, single submitter. Criteria: Athena Diagnostics Criteria. Collection method: clinical testing. Allele origin: unknown.

Natera, Inc.
Classification: Likely benign for Alport syndrome. Last evaluated: 2020-05-02. Review status: no assertion criteria provided. Collection method: clinical testing. Allele origin: germline. Not counted in ClinVar's aggregate classification.